The following is an entry in ClinVar:

NM_002335.4(LRP5):c.993C>A (p.Asp331Glu)

Gene: LRP5 (LDL receptor related protein 5; plus strand). Cytogenetic location: 11q13.2.
Variant type: single nucleotide variant.
Coding change: c.993C>A on transcript NM_002335.4 (MANE Select); coding-DNA position 993, C replaced by A.
Protein change: p.Asp331Glu; replaces aspartic acid 331 with glutamic acid.
Molecular consequence: missense variant. On other transcripts: 5 prime UTR variant (1).
Genome position (GRCh38, 1-based): chr11:68,365,680, C>A. VCF-style: chr11-68365680-C-A. GRCh37 (hg19) VCF-style: chr11-68133148-C-A.
Other names: c.-773C>A (NM_001291902.2); short protein forms D331E.
Identifiers: ClinVar variation 999845 (VCV000999845.10), dbSNP rs1033168650, ClinGen allele CA224240652.

ClinVar aggregate classification (germline): Uncertain significance (1 of 4 stars; one submission).

Allele frequency attached by ClinVar (database versions not stated): gnomAD 0.00001 and 0.00002; TOPMed 0.00002.
gnomAD v4.1: 6 of 1,441,712 alleles (0.00042%); highest among the groups gnomAD compares: African/African-American, 0.0091%; no homozygotes.

Submission:

Labcorp Genetics (formerly Invitae), Labcorp
Classification: Uncertain significance. Last evaluated: 2022-07-12. Review status: criteria provided, single submitter. Criteria: Invitae Variant Classification Sherloc (09022015). Collection method: clinical testing. Allele origin: germline.
Comment: Advanced modeling of protein sequence and biophysical properties (such as structural, functional, and spatial information, amino acid conservation, physicochemical variation, residue mobility, and thermodynamic stability) performed at Invitae indicates that this missense variant is not expected to disrupt LRP5 protein function. In summary, the available evidence is currently insufficient to determine the role of this variant in disease. Therefore, it has been classified as a Variant of Uncertain Significance. ClinVar contains an entry for this variant (Variation ID: 999845). This sequence change replaces aspartic acid, which is acidic and polar, with glutamic acid, which is acidic and polar, at codon 331 of the LRP5 protein (p.Asp331Glu). This variant is not present in population databases (gnomAD no frequency). This variant has not been reported in the literature in individuals affected with LRP5-related conditions.